The following is an entry in ClinVar:

NM_001037.5(SCN1B):c.484A>G (p.Met162Val)

Gene: SCN1B (sodium voltage-gated channel beta subunit 1; plus strand). Cytogenetic location: 19q13.11.
Variant type: single nucleotide variant.
Coding change: c.484A>G on transcript NM_001037.5 (MANE Select); coding-DNA position 484, A replaced by G.
Protein change: p.Met162Val; replaces methionine 162 with valine.
Molecular consequence: missense variant.
Genome position (GRCh38, 1-based): chr19:35,039,152, A>G. VCF-style: chr19-35039152-A-G. GRCh37 (hg19) VCF-style: chr19-35530056-A-G.
Other names: c.385A>G, p.Met129Val (NM_001321605.2); short protein forms M129V, M162V.
Identifiers: ClinVar variation 2550180 (VCV002550180.3), dbSNP rs1386371254, ClinGen allele CA405329967.
Genomic context (GRCh38, chr19:35,039,152, plus strand): 5'-CCTTAACCCTGCCTGGCCCCTGCAGCCAACAGAGACATGGCATCCATCGTGTCTGAGATC[A>G]TGATGTATGTGCTCATTGTGGTGTTGACCATATGGCTCGTGGCAGAGATGATTTACTGCT-3'
Protein context (NP_001028.1, residues 152-172): RDMASIVSEI[Met162Val]MYVLIVVLTI

ClinVar aggregate classification (germline): Uncertain significance. Review status: criteria provided, multiple submitters, no conflicts (2 of 4 stars). 2 submissions from 2 submitters: Uncertain significance (2). Last evaluated 2024-04-01.

Conditions:
Cardiovascular phenotype. Identifiers: MedGen CN230736.
Generalized epilepsy with febrile seizures plus, type 1 (GEFSP1). Also called: GEFS+, TYPE 1. Identifiers: Orphanet 36387, MedGen C1858672, MONDO:0011416, OMIM 604233.

Allele frequency attached by ClinVar (database versions not stated): gnomAD exomes 0.00002.

Submissions (2):

Pittsburgh Clinical Genomics Laboratory, University of Pittsburgh Medical Center
Classification: Uncertain significance for Generalized epilepsy with febrile seizures plus, type 1. Last evaluated: 2024-04-01. Review status: criteria provided, single submitter. Criteria: ACMG Guidelines, 2015. Collection method: clinical testing. Allele origin: germline. Inheritance: Autosomal unknown. Affected: yes.
Comment: This sequence variant is a single nucleotide substitution (A>G) at position 484 of the coding sequence of the SCN1B gene that results in a methionine to valine amino acid change at residue 162 of the sodium voltage-gated channel beta subunit 1 protein. The 162 residue falls in the transmembrane domain of the protein sodium voltage-gated channel beta subunit 1 (UniProt). This is a previously reported variant (ClinVar 2550180) that has not been observed in individuals affected by a SCN1B-related disorder in the published literature, to our knowledge. This variant is present in 24 of 1461852 alleles (0.0016%) in the gnomAD v4.0.0 population dataset. Multiple bioinformatic tools predict that this amino acid change would be damaging, and the Met162 residue at this position is moderately conserved across the vertebrate species examined. Studies examining the functional consequence of this variant have not been published, to our knowledge. At this time, there is insufficient evidence to determine if this variant is pathogenic or benign. Therefore, we consider this a variant of uncertain significance. ACMG Criteria: PM2, PP3

Ambry Genetics
Classification: Uncertain significance for Cardiovascular phenotype. Last evaluated: 2023-05-23. Review status: criteria provided, single submitter. Criteria: Ambry Variant Classification Scheme 2023. Collection method: clinical testing. Allele origin: germline.